The following is an entry in ClinVar:

NM_000268.4(NF2):c.1540A>C (p.Met514Leu)

Gene: NF2 (NF2, moesin-ezrin-radixin like (MERLIN) tumor suppressor; plus strand). Cytogenetic location: 22q12.2.
Variant type: single nucleotide variant.
Coding change: c.1540A>C on transcript NM_000268.4 (MANE Select); coding-DNA position 1540, A replaced by C.
Protein change: p.Met514Leu; replaces methionine 514 with leucine.
Molecular consequence: missense variant. On other transcripts: non-coding transcript variant (1), intron variant (1).
Genome position (GRCh38, 1-based): chr22:29,678,289, A>C. VCF-style: chr22-29678289-A-C. GRCh37 (hg19) VCF-style: chr22-30074278-A-C.
Other names: c.1540A>C, p.Met514Leu (NM_016418.5, NM_181825.3, NM_181832.3); c.1414A>C, p.Met472Leu (NM_181828.3); c.1417A>C, p.Met473Leu (NM_181829.3); c.1291A>C, p.Met431Leu (NM_181830.3, NM_181831.3); c.448-16463A>C (NM_181833.3); short protein forms M514L, M431L, M473L, M472L.
Identifiers: ClinVar variation 1046085 (VCV001046085.9), dbSNP rs201527155, ClinGen allele CA411149738.

ClinVar aggregate classification (germline): Uncertain significance (1 of 4 stars; one submission).

Conditions:
Neurofibromatosis, type 2 (SWNV). Also called: BILATERAL ACOUSTIC NEUROFIBROMATOSIS; NF2-Related Schwannomatosis; SCHWANNOMATOSIS, VESTIBULAR. Identifiers: Orphanet 637, MedGen C0027832, MONDO:0007039, OMIM 101000. Disease mechanism: loss of function.

gnomAD v4.1: 1 of 1,614,122 alleles (0.000062%); highest among the groups gnomAD compares: Non-Finnish European, 0.000085%; no homozygotes.

Submission:

Labcorp Genetics (formerly Invitae), Labcorp
Classification: Uncertain significance for Neurofibromatosis, type 2. Last evaluated: 2025-07-14. Review status: criteria provided, single submitter. Criteria: Invitae Variant Classification Sherloc (09022015). Collection method: clinical testing. Allele origin: germline.
Comment: This sequence change replaces methionine, which is neutral and non-polar, with leucine, which is neutral and non-polar, at codon 514 of the NF2 protein (p.Met514Leu). This variant is not present in population databases (gnomAD no frequency). This variant has not been reported in the literature in individuals affected with NF2-related conditions. ClinVar contains an entry for this variant (Variation ID: 1046085). Invitae Evidence Modeling of protein sequence and biophysical properties (such as structural, functional, and spatial information, amino acid conservation, physicochemical variation, residue mobility, and thermodynamic stability) indicates that this missense variant is not expected to disrupt NF2 protein function with a negative predictive value of 80%. In summary, the available evidence is currently insufficient to determine the role of this variant in disease. Therefore, it has been classified as a Variant of Uncertain Significance.